The following is an entry in ClinVar:

ClinVar aggregate classification (germline): Likely pathogenic (1 of 4 stars; one submission).

Conditions:
Cardiovascular phenotype. Identifiers: MedGen CN230736.

Submission:

Ambry Genetics
Classification: Likely pathogenic for Cardiovascular phenotype. Last evaluated: 2025-06-25. Review status: criteria provided, single submitter. Criteria: Ambry Variant Classification Scheme 2023. Collection method: clinical testing. Allele origin: germline.
Comment: The c.54141delA variant, located in coding exon 153 of the TTN gene, results from a deletion of one nucleotide at nucleotide position 54141, causing a translational frameshift with a predicted alternate stop codon (p.E18048Kfs*10). This exon is located in the A-band region of the N2-B isoform of the titin protein and is constitutively expressed in TTN transcripts (percent spliced in or PSI 100%). This variant is considered to be rare based on population cohorts in the Genome Aggregation Database (gnomAD). This variant is expected to result in loss of function by premature protein truncation or nonsense-mediated mRNA decay. While truncating variants in TTN are present in 1-3% of the general population, truncating variants in the A-band are the most common cause of dilated cardiomyopathy (Herman DS et al. N. Engl. J. Med., 2012 Feb;366:619-28; Roberts AM et al. Sci Transl Med, 2015 Jan;7:270ra6). TTN truncating variants encoded in constitutive exons (PSI >90%) have been found to be significantly associated with DCM regardless of their position in titin (Schafer S et al. Nat. Genet., 2017 01;49:46-53; Akhtar MM et al. Circ Heart Fail, 2020 Oct;13:e006832; Massier M et al. Clin Genet, 2025 Jan). Based on the majority of available evidence to date, this variant is likely to be pathogenic.

NM_001267550.2(TTN):c.81336del (p.Glu27113fs)

Genes: TTN (titin; minus strand), TTN-AS1 (TTN antisense RNA 1; plus strand). Cytogenetic location: 2q31.2.
Variant type: Deletion.
Coding change: c.81336del on transcript NM_001267550.2 (MANE Select); coding-DNA position 81336, one base deleted (A; older notation c.81336delA).
Protein change: p.Glu27113fs; shifts the reading frame from glutamic acid 27113.
Molecular consequence: frameshift variant.
Genome position (GRCh38, 1-based): chr2:178,564,796, T deleted on the plus strand (A on the coding strand, the reverse complement: TTN is on the minus strand); the first of 3 consecutive T bases (chr2:178,564,796-178,564,798); deleting any one gives the same sequence. VCF-style (leftmost placement, unchanged base first): chr2-178564795-CT-C. GRCh37 (hg19) VCF-style: chr2-179429522-CT-C.
Other names: c.76413del, p.Glu25472fs (NM_001256850.1); c.54141del, p.Glu18048fs (NM_003319.4); c.73632del, p.Glu24545fs (NM_133378.4); c.54516del, p.Glu18173fs (NM_133432.3); c.54717del, p.Glu18240fs (NM_133437.4); c.54141delA (NM_003319.4); short protein forms E18048fs, E18173fs, E25472fs, E18240fs, E27113fs, E24545fs.
Identifiers: ClinVar variation 4193699 (VCV004193699.1).
Genomic context (GRCh38, chr2:178,564,795, plus strand): 5'-TGAATTTGGTGTCCTGAATGGGGGTCTTATTTAACTTGACCCATAAAATACTGTTCTTTT[CT>C]TTCTGTTCAAGATGGTAGCCAATAATTTTGGTGCCTCCATCATTCACTGGCTCATGCCAT-3'